The following is an entry in ClinVar:

NM_024027.5(COLEC11):c.-26-645G>A

Gene: COLEC11 (collectin subfamily member 11; plus strand). Cytogenetic location: 2p25.3.
Variant type: single nucleotide variant.
Coding change: c.-26-645G>A on transcript NM_024027.5 (MANE Select); 645 bases into the intron before 26 bases upstream of the start codon, G replaced by A.
Molecular consequence: intron variant.
Genome position (GRCh38, 1-based): chr2:3,603,670, G>A. VCF-style: chr2-3603670-G-A. GRCh37 (hg19) VCF-style: chr2-3651260-G-A.
Other names: c.-114-645G>A (NM_199235.3); c.-26-645G>A (NM_001255983.2, NM_001255982.2, NM_001255984.2); c.16+9G>A (NM_001255985.1).
Identifiers: ClinVar variation 3054516 (VCV003054516.3), dbSNP rs765090666, ClinGen allele CA1516756.

ClinVar aggregate classification (germline): Likely benign. Review status: criteria provided, single submitter (1 of 4 stars). 2 submissions from 2 submitters: Likely benign (1). 1 of the submissions does not count toward it. Last evaluated 2023-12-27.

Conditions:
COLEC11-related disorder. Also called: COLEC11-related condition.

Allele frequency attached by ClinVar (database versions not stated): gnomAD exomes 0.00007; gnomAD 0.00010; ExAC 0.00011.
gnomAD v4.1: 120 of 1,550,846 alleles (0.0077%); highest among the groups gnomAD compares: African/African-American, 0.0082%; no homozygotes.

Submissions (2):

Blueprint Genetics
Classification: Likely benign. Last evaluated: 2023-12-27. Review status: criteria provided, single submitter. Criteria: ACMG Guidelines, 2015. Collection method: clinical testing. Allele origin: germline.

PreventionGenetics, part of Exact Sciences
Classification: Likely benign for COLEC11-related condition. Last evaluated: 2020-04-29. Review status: no assertion criteria provided. Collection method: clinical testing. Allele origin: germline. Not counted in ClinVar's aggregate classification.
Comment: This variant is classified as likely benign based on ACMG/AMP sequence variant interpretation guidelines (Richards et al. 2015 PMID: 25741868, with internal and published modifications).